The following is an entry in ClinVar:

NM_005546.4(ITK):c.844G>A (p.Val282Ile)

Gene: ITK (IL2 inducible T cell kinase; plus strand). Cytogenetic location: 5q33.3.
Variant type: single nucleotide variant.
Coding change: c.844G>A on transcript NM_005546.4 (MANE Select); coding-DNA position 844, G replaced by A.
Protein change: p.Val282Ile; replaces valine 282 with isoleucine.
Molecular consequence: missense variant.
Genome position (GRCh38, 1-based): chr5:157,238,184, G>A. VCF-style: chr5-157238184-G-A. GRCh37 (hg19) VCF-style: chr5-156665194-G-A.
Other names: short protein forms V282I.
Identifiers: ClinVar variation 352468 (VCV000352468.11), dbSNP rs202191474, ClinGen allele CA3532908.

ClinVar aggregate classification (germline): Uncertain significance. Review status: criteria provided, multiple submitters, no conflicts (2 of 4 stars). 3 submissions from 3 submitters: Uncertain significance (3). Last evaluated 2023-12-25.

Conditions:
Lymphoproliferative syndrome 1 (LPFS1). Identifiers: Orphanet 238505, Orphanet 538963, MedGen C3552634, MONDO:0013081, OMIM 613011.

Allele frequency attached by ClinVar (database versions not stated): gnomAD 0.00007 and 0.00008; TOPMed 0.00007; ESP Exome Variant Server 0.00015.
gnomAD v4.1: 157 of 1,612,580 alleles (0.0097%); highest among the groups gnomAD compares: Non-Finnish European, 0.013%; no homozygotes.

Submissions (3):

Labcorp Genetics (formerly Invitae), Labcorp
Classification: Uncertain significance for Lymphoproliferative syndrome 1. Last evaluated: 2023-12-25. Review status: criteria provided, single submitter. Criteria: Invitae Variant Classification Sherloc (09022015). Collection method: clinical testing. Allele origin: germline.
Comment: This sequence change replaces valine, which is neutral and non-polar, with isoleucine, which is neutral and non-polar, at codon 282 of the ITK protein (p.Val282Ile). This variant is present in population databases (rs202191474, gnomAD 0.01%). This variant has not been reported in the literature in individuals affected with ITK-related conditions. ClinVar contains an entry for this variant (Variation ID: 352468). Advanced modeling of protein sequence and biophysical properties (such as structural, functional, and spatial information, amino acid conservation, physicochemical variation, residue mobility, and thermodynamic stability) performed at Invitae indicates that this missense variant is not expected to disrupt ITK protein function with a negative predictive value of 95%. In summary, the available evidence is currently insufficient to determine the role of this variant in disease. Therefore, it has been classified as a Variant of Uncertain Significance.

Fulgent Genetics
Classification: Uncertain significance for Lymphoproliferative syndrome 1. Last evaluated: 2021-11-04. Review status: criteria provided, single submitter. Criteria: ACMG Guidelines, 2015. Collection method: clinical testing. Allele origin: unknown.

Illumina Laboratory Services, Illumina
Classification: Uncertain significance for Lymphoproliferative syndrome 1. Last evaluated: 2018-01-13. Review status: criteria provided, single submitter. Criteria: ICSL Variant Classification Criteria 13 December 2019. Collection method: clinical testing. Allele origin: germline.